The following is an entry in ClinVar:

ClinVar aggregate classification (germline): Uncertain significance (1 of 4 stars; one submission).

Conditions:
Congenital myasthenic syndrome 4A. Also called: Myasthenic syndrome, congenital, 4a, slow-channel; CONGENITAL MYASTHENIC SYNDROME TYPE Ia1; MYASTHENIC SYNDROME, CONGENITAL, 4A, SLOW-CHANNEL, AUTOSOMAL RECESSIVE. Identifiers: Orphanet 590, MedGen C4225413, MONDO:0011600, OMIM 605809.

Submission:

Labcorp Genetics (formerly Invitae), Labcorp
Classification: Uncertain significance for Congenital myasthenic syndrome 4A. Last evaluated: 2024-05-23. Review status: criteria provided, single submitter. Criteria: Invitae Variant Classification Sherloc (09022015). Collection method: clinical testing. Allele origin: germline.
Comment: This sequence change replaces proline, which is neutral and non-polar, with serine, which is neutral and polar, at codon 333 of the CHRNE protein (p.Pro333Ser). This variant is not present in population databases (gnomAD no frequency). This variant has not been reported in the literature in individuals affected with CHRNE-related conditions. Advanced modeling of protein sequence and biophysical properties (such as structural, functional, and spatial information, amino acid conservation, physicochemical variation, residue mobility, and thermodynamic stability) has been performed at Invitae for this missense variant, however the output from this modeling did not meet the statistical confidence thresholds required to predict the impact of this variant on CHRNE protein function. In summary, the available evidence is currently insufficient to determine the role of this variant in disease. Therefore, it has been classified as a Variant of Uncertain Significance.

NM_000080.4(CHRNE):c.997C>T (p.Pro333Ser)

Gene: CHRNE (cholinergic receptor nicotinic epsilon subunit; minus strand). Cytogenetic location: 17p13.2.
Variant type: single nucleotide variant.
Coding change: c.997C>T on transcript NM_000080.4 (MANE Select); coding-DNA position 997, C replaced by T.
Protein change: p.Pro333Ser; replaces proline 333 with serine.
Molecular consequence: missense variant.
Genome position (GRCh38, 1-based): chr17:4,899,503, G>A on the plus strand (C>T on the coding strand, the complement: CHRNE is on the minus strand). VCF-style: chr17-4899503-G-A. GRCh37 (hg19) VCF-style: chr17-4802798-G-A.
Other names: short protein forms P333S.
Identifiers: ClinVar variation 3608505 (VCV003608505.2).